The following is an entry in ClinVar:

NM_172245.4(CSF2RA):c.681T>C (p.Arg227=)

Gene: CSF2RA (colony stimulating factor 2 receptor subunit alpha; plus strand). Cytogenetic location: Yp11.2.
Variant type: single nucleotide variant.
Coding change: c.681T>C on transcript NM_172245.4 (MANE Select); coding-DNA position 681, T replaced by C.
Protein change: p.Arg227=; no amino-acid change (arginine 227 retained).
Molecular consequence: synonymous variant. On other transcripts: missense variant (1), non-coding transcript variant (1), intron variant (1).
Genome position (GRCh38, 1-based): chrX:1,294,362, T>C. VCF-style: chrX-1294362-T-C. GRCh37 (hg19) VCF-style: chrX-1413255-T-C.
Other names: c.681T>C, p.Arg227= (NM_001161529.2, NM_001161530.2, NM_001161531.2 and 18 more transcripts); c.282T>C, p.Arg94= (NM_001161532.2); c.662T>C, p.Val221Ala (NM_001379166.1); c.646+3853T>C (NM_172249.4); short protein forms V221A.
Identifiers: ClinVar variation 751935 (VCV000751935.15), dbSNP rs186487689, ClinGen allele CA10330950.

ClinVar aggregate classification (germline): Conflicting classifications of pathogenicity. Review status: criteria provided, conflicting classifications (1 of 4 stars). 4 submissions from 4 submitters: Uncertain significance (1); Benign (2). 1 of the submissions does not count toward it. Last evaluated 2025-12-18.

Conditions:
CSF2RA-related disorder. Also called: CSF2RA-related condition.
Surfactant metabolism dysfunction, pulmonary, 4 (SMDP4). Also called: PAP DUE TO CSF2RA DEFICIENCY; PULMONARY ALVEOLAR PROTEINOSIS, CONGENITAL, 4; CSF2RA DEFICIENCY. Identifiers: Orphanet 264675, MedGen C2677877, MONDO:0010424, OMIM 300770.

Allele frequency attached by ClinVar (database versions not stated): gnomAD exomes 0.00009 and 0.00019; gnomAD 0.00010 and 0.00011; TOPMed 0.00010; ExAC 0.00020; 1000 Genomes Project 30x 0.00021; 1000 Genomes Project 0.00026.
gnomAD v4.1: 157 of 1,613,792 alleles (0.0097%); highest among the groups gnomAD compares: South Asian, 0.034%; no homozygotes.

Submissions (4):

Labcorp Genetics (formerly Invitae), Labcorp
Classification: Benign for Surfactant metabolism dysfunction, pulmonary, 4. Last evaluated: 2025-12-18. Review status: criteria provided, single submitter. Criteria: Invitae Variant Classification Sherloc (09022015). Collection method: clinical testing. Allele origin: germline.

Blueprint Genetics
Classification: Uncertain significance. Last evaluated: 2024-11-07. Review status: criteria provided, single submitter. Criteria: ACMG Guidelines, 2015. Collection method: clinical testing. Allele origin: germline.

Women's Health and Genetics/Laboratory Corporation of America, LabCorp
Classification: Benign. Last evaluated: 2019-08-15. Review status: criteria provided, single submitter. Criteria: LabCorp Variant Classification Summary - May 2015. Collection method: clinical testing. Allele origin: germline.

PreventionGenetics, part of Exact Sciences
Classification: Likely benign for CSF2RA-related condition. Last evaluated: 2022-05-10. Review status: no assertion criteria provided. Collection method: clinical testing. Allele origin: germline. Not counted in ClinVar's aggregate classification.
Comment: This variant is classified as likely benign based on ACMG/AMP sequence variant interpretation guidelines (Richards et al. 2015 PMID: 25741868, with internal and published modifications).